The following is an entry in ClinVar:

NC_000020.11:g.(?_63419599)_(63439728_?)del

Gene: KCNQ2 (potassium voltage-gated channel subfamily Q member 2; minus strand). Cytogenetic location: 20q13.33.
Variant type: Deletion.
Identifiers: ClinVar variation 461212 (VCV000461212.8).

ClinVar aggregate classification (germline): Pathogenic (1 of 4 stars; one submission).

Conditions:
Developmental and epileptic encephalopathy. Identifiers: MedGen C5779964, MONDO:0100620.

Submission:

Labcorp Genetics (formerly Invitae), Labcorp
Classification: Pathogenic for Early-infantile DEE. Last evaluated: 2024-01-15. Review status: criteria provided, single submitter. Criteria: Invitae Variant Classification Sherloc (09022015). Collection method: clinical testing. Allele origin: germline.
Comment: This variant is a gross deletion of the genomic region encompassing exon(s) 6-12 of the KCNQ2 gene. This deletion is out-of-frame, and is expected to create a premature termination codon and result in an absent or disrupted protein product. Loss-of-function variants in KCNQ2 are known to be pathogenic (PMID: 14534157, 23692823, 27779742). This variant has not been reported in the literature in individuals affected with KCNQ2-related conditions. For these reasons, this variant has been classified as Pathogenic.

Literature cited by the submitters: PubMed 14534157; PubMed 23692823; PubMed 27779742.